The following is an entry in ClinVar:

ClinVar aggregate classification (germline): Uncertain significance (1 of 4 stars; one submission).

Conditions:
Cardiovascular phenotype. Identifiers: MedGen CN230736.

Submission:

Ambry Genetics
Classification: Uncertain significance for Cardiovascular phenotype. Last evaluated: 2024-06-28. Review status: criteria provided, single submitter. Criteria: Ambry Variant Classification Scheme 2023. Collection method: clinical testing. Allele origin: germline.
Comment: The p.G129E variant (also known as c.386G>A), located in coding exon 1 of the RASA1 gene, results from a G to A substitution at nucleotide position 386. The glycine at codon 129 is replaced by glutamic acid, an amino acid with similar properties. This amino acid position is conserved. In addition, this alteration is predicted to be tolerated by in silico analysis. Based on the available evidence, the clinical significance of this variant remains unclear.

NM_002890.3(RASA1):c.386G>A (p.Gly129Glu)

Gene: RASA1 (RAS p21 protein activator 1; plus strand). Cytogenetic location: 5q14.3.
Variant type: single nucleotide variant.
Coding change: c.386G>A on transcript NM_002890.3 (MANE Select); coding-DNA position 386, G replaced by A.
Protein change: p.Gly129Glu; replaces glycine 129 with glutamic acid.
Molecular consequence: missense variant.
Genome position (GRCh38, 1-based): chr5:87,268,837, G>A. VCF-style: chr5-87268837-G-A. GRCh37 (hg19) VCF-style: chr5-86564654-G-A.
Other names: short protein forms G129E.
Identifiers: ClinVar variation 3430442 (VCV003430442.1).
Genomic context (GRCh38, chr5:87,268,837, plus strand): 5'-GACCTAGTGGAGACATGGCTCTCACCAAACTGCCCACTTCGTTGCTTGCTGAGACTCTCG[G>A]GCCAGGCGGCGGTTTTCCCCCTCTGCCCCCTCCCCCTTACCTGCCCCCTTTGGGGGCGGG-3'
Protein context (NP_002881.1, residues 119-139): LPTSLLAETL[Gly129Glu]PGGGFPPLPP